The following is an entry in ClinVar:

NM_001042492.3(NF1):c.2318del (p.Asn773fs)

Gene: NF1 (neurofibromin 1; plus strand). Cytogenetic location: 17q11.2.
Variant type: Deletion.
Coding change: c.2318del on transcript NM_001042492.3 (MANE Select); coding-DNA position 2318, one base deleted (A; older notation c.2318delA).
Protein change: p.Asn773fs; shifts the reading frame from asparagine 773.
Molecular consequence: frameshift variant.
Genome position (GRCh38, 1-based): chr17:31,227,284, A deleted; the last of 3 consecutive A bases (chr17:31,227,282-31,227,284); deleting any one gives the same sequence. VCF-style (leftmost placement, unchanged base first): chr17-31227281-GA-G. GRCh37 (hg19) VCF-style: chr17-29554299-GA-G.
Other names: c.2318delA, p.Asn773Thrfs (NM_000267.4); short protein forms N773fs.
Identifiers: ClinVar variation 2750392 (VCV002750392.3), dbSNP rs2151426990, ClinGen allele CA2697559721.

ClinVar aggregate classification (germline): Pathogenic (1 of 4 stars; one submission).

Conditions:
Neurofibromatosis, type 1 (NF1). Also called: Peripheral type neurofibromatosis; NEUROFIBROMATOSIS, TYPE I, SOMATIC; VON RECKLINGHAUSEN DISEASE; Neurofibromatosis, type I. Identifiers: Orphanet 636, MedGen C0027831, MONDO:0018975, OMIM 162200. Disease mechanism: loss of function.

Submission:

Labcorp Genetics (formerly Invitae), Labcorp
Classification: Pathogenic for Neurofibromatosis, type 1. Last evaluated: 2025-05-18. Review status: criteria provided, single submitter. Criteria: Invitae Variant Classification Sherloc (09022015). Collection method: clinical testing. Allele origin: germline.
Comment: This sequence change creates a premature translational stop signal (p.Asn773Thrfs*18) in the NF1 gene. It is expected to result in an absent or disrupted protein product. Loss-of-function variants in NF1 are known to be pathogenic (PMID: 10712197, 23913538). This variant is not present in population databases (gnomAD no frequency). This variant has not been reported in the literature in individuals affected with NF1-related conditions. ClinVar contains an entry for this variant (Variation ID: 2750392). For these reasons, this variant has been classified as Pathogenic.

Literature cited by the submitters: PubMed 10712197; PubMed 23913538.